The following is an entry in ClinVar:

NM_020796.5(SEMA6A):c.1996T>G (p.Ser666Ala)

Genes: SEMA6A (semaphorin 6A; minus strand), SEMA6A-AS1 (SEMA6A antisense RNA 1; plus strand). Cytogenetic location: 5q23.1.
Variant type: single nucleotide variant.
Coding change: c.1996T>G on transcript NM_020796.5 (MANE Select); coding-DNA position 1996, T replaced by G.
Protein change: p.Ser666Ala; replaces serine 666 with alanine.
Molecular consequence: missense variant. On other transcripts: non-coding transcript variant (1).
Genome position (GRCh38, 1-based): chr5:116,447,710, A>C on the plus strand (T>G on the coding strand, the complement: SEMA6A is on the minus strand). VCF-style: chr5-116447710-A-C. GRCh37 (hg19) VCF-style: chr5-115783406-A-C.
Other names: c.2047T>G, p.Ser683Ala (NM_001300780.2); short protein forms S666A, S683A.
Identifiers: ClinVar variation 4851625 (VCV004851625.1).

ClinVar aggregate classification (germline): Uncertain significance (1 of 4 stars; one submission).

Conditions:
SEMA6A-Related Disorder.

Submission:

Daryl Scott Lab, Baylor College of Medicine
Classification: Uncertain significance for SEMA6A-Related Disorder. Review status: criteria provided, single submitter. Criteria: ACMG Guidelines, 2015. Collection method: clinical testing. Allele origin: de novo. Affected: yes. Observed: 1 heterozygote.
Comment: PS2, PM2